The following is an entry in ClinVar:

NM_006265.3(RAD21):c.144+134G>A

Gene: RAD21 (RAD21 cohesin complex component; minus strand). Cytogenetic location: 8q24.11.
Variant type: single nucleotide variant.
Coding change: c.144+134G>A on transcript NM_006265.3 (MANE Select); 134 bases into the intron after coding-DNA position 144, G replaced by A.
Molecular consequence: intron variant.
Genome position (GRCh38, 1-based): chr8:116,866,452, C>T on the plus strand (G>A on the coding strand, the complement: RAD21 is on the minus strand). VCF-style: chr8-116866452-C-T. GRCh37 (hg19) VCF-style: chr8-117878691-C-T.
Identifiers: ClinVar variation 670486 (VCV000670486.1), dbSNP rs16889040, ClinGen allele CA15538747.

ClinVar aggregate classification (germline): Benign (1 of 4 stars; one submission).

Allele frequency attached by ClinVar (database versions not stated): TOPMed 0.19674; gnomAD 0.20913 and 0.21754; 1000 Genomes Project 30x 0.22017; 1000 Genomes Project 0.22584; gnomAD exomes 0.28230.
gnomAD v4.1: 190,577 of 712,942 alleles (27%); highest among the groups gnomAD compares: South Asian, 47%; 28,209 homozygotes.

Submission:

GeneDx
Classification: Benign. Last evaluated: 2018-06-16. Review status: criteria provided, single submitter. Criteria: GeneDx Variant Classification (06012015). Collection method: clinical testing. Allele origin: germline. Affected: yes.
Comment: This variant is considered likely benign or benign based on one or more of the following criteria: it is a conservative change, it occurs at a poorly conserved position in the protein, it is predicted to be benign by multiple in silico algorithms, and/or has population frequency not consistent with disease.